The following is an entry in ClinVar:

NM_020778.5(ALPK3):c.143+216T>G

Gene: ALPK3 (alpha kinase 3; plus strand). Cytogenetic location: 15q25.3.
Variant type: single nucleotide variant.
Coding change: c.143+216T>G on transcript NM_020778.5 (MANE Select); 216 bases into the intron after coding-DNA position 143, T replaced by G.
Molecular consequence: intron variant.
Genome position (GRCh38, 1-based): chr15:84,817,811, T>G. VCF-style: chr15-84817811-T-G. GRCh37 (hg19) VCF-style: chr15-85361042-T-G.
Identifiers: ClinVar variation 678087 (VCV000678087.1), dbSNP rs7179643, ClinGen allele CA14109031.

ClinVar aggregate classification (germline): Benign (1 of 4 stars; one submission).

Allele frequency attached by ClinVar (database versions not stated): gnomAD 0.77360 and 0.77398; TOPMed 0.77847; 1000 Genomes Project 30x 0.79279; 1000 Genomes Project 0.79533.
gnomAD v4.1: 117,701 of 152,156 alleles (77%); highest among the groups gnomAD compares: East Asian, 92%; 45,809 homozygotes.

Submission:

GeneDx
Classification: Benign. Last evaluated: 2018-06-15. Review status: criteria provided, single submitter. Criteria: GeneDx Variant Classification (06012015). Collection method: clinical testing. Allele origin: germline. Affected: yes.
Comment: This variant is considered likely benign or benign based on one or more of the following criteria: it is a conservative change, it occurs at a poorly conserved position in the protein, it is predicted to be benign by multiple in silico algorithms, and/or has population frequency not consistent with disease.